The following is an entry in ClinVar:

ClinVar aggregate classification (somatic clinical impact): Tier II - Potential (1 of 4 stars; one submission).

Conditions:
Rhabdomyosarcoma. Also called: Rhabdomyosarcoma (disease). Identifiers: Orphanet 780, MedGen C0035412, MeSH D012208, MONDO:0005212, HP:0002859.

Submission:

Institute for Genomic Medicine (IGM) Clinical Laboratory, Nationwide Children's Hospital
Classification: Tier II - Potential for Rhabdomyosarcoma. Assertion type: diagnostic. Clinical significance: supports diagnosis. Last evaluated: 2023-11-16. Review status: criteria provided, single submitter. Criteria: AMP/ASCO/CAP Guidelines, 2017. Collection method: clinical testing. Allele origin: somatic. Affected: yes.
Comment: Variant has Tier II (potential) clinical significance as a diagnostic inclusion criterion in rhabdomyosarcoma, based on the following evidence: 1) Information in the literature supports potential biologic effect of variant (PMIDs: 20648242, 20679480, 22190897, 17603483). 2) Diagnostic significance based on multiple small studies (Evidence Level C; PMIDs: 27273450, 16266992).

Literature cited by the submitters: PubMed 20648242; PubMed 20679480; PubMed 22190897; PubMed 17603483; PubMed 27273450; PubMed 16266992.

NM_002880.4(RAF1):c.779C>G (p.Thr260Arg)

Gene: RAF1 (Raf-1 proto-oncogene, serine/threonine kinase; minus strand). Cytogenetic location: 3p25.2.
Variant type: single nucleotide variant.
Coding change: c.779C>G on transcript NM_002880.4 (MANE Select); coding-DNA position 779, C replaced by G.
Protein change: p.Thr260Arg; replaces threonine 260 with arginine.
Molecular consequence: missense variant. On other transcripts: non-coding transcript variant (3).
Genome position (GRCh38, 1-based): chr3:12,604,191, G>C on the plus strand (C>G on the coding strand, the complement: RAF1 is on the minus strand). VCF-style: chr3-12604191-G-C. GRCh37 (hg19) VCF-style: chr3-12645690-G-C.
Other names: c.779C>G, p.Thr260Arg (NM_001354689.3, NM_001354690.3); c.536C>G, p.Thr179Arg (NM_001354691.3, NM_001354692.3, NM_001354694.3); c.680C>G, p.Thr227Arg (NM_001354693.3); c.437C>G, p.Thr146Arg (NM_001354695.3); short protein forms T146R, T179R, T227R, T260R.
Identifiers: ClinVar variation 4530306 (VCV004530306.1).
Genomic context (GRCh38, chr3:12,604,191, plus strand): 5'-ATTACCTCAATCATCCTGCTGTCCACAGGCAGGGTGGTGCTGACCATGTGGACATTAGGT[G>C]TGGATGTCGACCTCTGCCTCTGGGAGAGGGAACCTTCAGATGAGGGACTGGAGGTGTTAA-3'
Protein context (NP_002871.1, residues 250-270): SLSQRQRSTS[Thr260Arg]PNVHMVSTTL